The following is an entry in ClinVar:

ClinVar aggregate classification (germline): Uncertain significance (1 of 4 stars; one submission).

Conditions:
LAMA3-related disorder. Also called: LAMA3-related disorders; LAMA3-related condition.

gnomAD v4.1: 9 of 1,613,804 alleles (0.00056%); highest among the groups gnomAD compares: Non-Finnish European, 0.00076%; no homozygotes.

Submission:

PreventionGenetics, part of Exact Sciences
Classification: Uncertain significance for LAMA3-related condition. Last evaluated: 2024-11-01. Review status: criteria provided, single submitter. Criteria: ACMG Guidelines, 2015. Collection method: clinical testing. Allele origin: germline.
Comment: The LAMA3 c.4856C>T variant is predicted to result in the amino acid substitution p.Thr1619Met. To our knowledge, this variant has not been reported in the literature. This variant is reported in 0.00088% of alleles in individuals of European (Non-Finnish) descent in gnomAD. At this time, the clinical significance of this variant is uncertain due to the absence of conclusive functional and genetic evidence.

NM_198129.4(LAMA3):c.9683C>T (p.Thr3228Met)

Gene: LAMA3 (laminin subunit alpha 3; plus strand). Cytogenetic location: 18q11.2.
Variant type: single nucleotide variant.
Coding change: c.9683C>T on transcript NM_198129.4 (MANE Select); coding-DNA position 9683, C replaced by T.
Protein change: p.Thr3228Met; replaces threonine 3228 with methionine.
Molecular consequence: missense variant.
Genome position (GRCh38, 1-based): chr18:23,951,724, C>T. VCF-style: chr18-23951724-C-T. GRCh37 (hg19) VCF-style: chr18-21531688-C-T.
Other names: c.4856C>T, p.Thr1619Met (NM_000227.6); c.9515C>T, p.Thr3172Met (NM_001127717.4); c.4688C>T, p.Thr1563Met (NM_001127718.4); short protein forms T1563M, T1619M, T3172M, T3228M.
Identifiers: ClinVar variation 4989732 (VCV004989732.1).